The following is an entry in ClinVar:

NM_001845.6(COL4A1):c.452G>A (p.Gly151Asp)

Gene: COL4A1 (collagen type IV alpha 1 chain; minus strand). Cytogenetic location: 13q34.
Variant type: single nucleotide variant.
Coding change: c.452G>A on transcript NM_001845.6 (MANE Select); coding-DNA position 452, G replaced by A.
Protein change: p.Gly151Asp; replaces glycine 151 with aspartic acid.
Molecular consequence: missense variant.
Genome position (GRCh38, 1-based): chr13:110,211,663, C>T on the plus strand (G>A on the coding strand, the complement: COL4A1 is on the minus strand). VCF-style: chr13-110211663-C-T. GRCh37 (hg19) VCF-style: chr13-110864010-C-T.
Other names: c.452G>A, p.Gly151Asp (NM_001303110.2); short protein forms G151D.
Identifiers: ClinVar variation 1495338 (VCV001495338.6), dbSNP rs2139204356, ClinGen allele CA388726094.

ClinVar aggregate classification (germline): Pathogenic (1 of 4 stars; one submission).

Submission:

Labcorp Genetics (formerly Invitae), Labcorp
Classification: Pathogenic. Last evaluated: 2023-04-13. Review status: criteria provided, single submitter. Criteria: Invitae Variant Classification Sherloc (09022015). Collection method: clinical testing. Allele origin: germline.
Comment: This sequence change replaces glycine, which is neutral and non-polar, with aspartic acid, which is acidic and polar, at codon 151 of the COL4A1 protein (p.Gly151Asp). This variant is not present in population databases (gnomAD no frequency). For these reasons, this variant has been classified as Pathogenic. This missense change has been observed in individual(s) with COL4A1-related conditions (Invitae). In at least one individual the variant was observed to be de novo. ClinVar contains an entry for this variant (Variation ID: 1495338). Advanced modeling of protein sequence and biophysical properties (such as structural, functional, and spatial information, amino acid conservation, physicochemical variation, residue mobility, and thermodynamic stability) performed at Invitae indicates that this missense variant is expected to disrupt COL4A1 protein function. This variant disrupts the triple helix domain of COL4A1. Glycine residues within the Gly-Xaa-Yaa repeats of the triple helix domain are required for the structure and stability of fibrillar collagens (PMID: 7695699, 8218237, 19344236). In COL4A1 variants affecting these glycine residues are significantly enriched in individuals with disease (PMID: 9016532, 17078022) compared to the general population (ExAC).

Literature cited by the submitters: PubMed 7695699; PubMed 8218237; PubMed 19344236; PubMed 9016532; PubMed 17078022.